The following is an entry in ClinVar:

ClinVar aggregate classification (germline): Uncertain significance (1 of 4 stars; one submission).

Conditions:
Bloom syndrome (BLM). Also called: Bloom-Torre-Machacek syndrome. Identifiers: Orphanet 125, MedGen C0005859, MONDO:0008876, OMIM 210900.

Submission:

Labcorp Genetics (formerly Invitae), Labcorp
Classification: Uncertain significance for Bloom syndrome. Last evaluated: 2021-02-07. Review status: criteria provided, single submitter. Criteria: Invitae Variant Classification Sherloc (09022015). Collection method: clinical testing. Allele origin: germline.
Comment: Algorithms developed to predict the effect of missense changes on protein structure and function (SIFT, PolyPhen-2, Align-GVGD) all suggest that this variant is likely to be tolerated, but these predictions have not been confirmed by published functional studies and their clinical significance is uncertain. This variant has not been reported in the literature in individuals with BLM-related conditions. This variant is not present in population databases (ExAC no frequency). This sequence change replaces isoleucine with leucine at codon 236 of the BLM protein (p.Ile236Leu). The isoleucine residue is moderately conserved and there is a small physicochemical difference between isoleucine and leucine. In summary, the available evidence is currently insufficient to determine the role of this variant in disease. Therefore, it has been classified as a Variant of Uncertain Significance.

NM_000057.4(BLM):c.706A>C (p.Ile236Leu)

Gene: BLM (BLM RecQ like helicase; plus strand). Cytogenetic location: 15q26.1.
Variant type: single nucleotide variant.
Coding change: c.706A>C on transcript NM_000057.4 (MANE Select); coding-DNA position 706, A replaced by C.
Protein change: p.Ile236Leu; replaces isoleucine 236 with leucine.
Molecular consequence: missense variant. On other transcripts: 5 prime UTR variant (1).
Genome position (GRCh38, 1-based): chr15:90,749,974, A>C. VCF-style: chr15-90749974-A-C. GRCh37 (hg19) VCF-style: chr15-91293204-A-C.
Other names: c.706A>C, p.Ile236Leu (NM_001287246.2, NM_001287247.2); c.-586A>C (NM_001287248.2); short protein forms I236L.
Identifiers: ClinVar variation 1407716 (VCV001407716.8), dbSNP rs2151148002, ClinGen allele CA393841385.